The following is an entry in ClinVar:

ClinVar aggregate classification (germline): Uncertain significance (1 of 4 stars; one submission).

Allele frequency attached by ClinVar (database versions not stated): gnomAD 0.00007; TOPMed 0.00013; ESP Exome Variant Server 0.00016.
gnomAD v4.1: 126 of 1,549,704 alleles (0.0081%); highest among the groups gnomAD compares: Middle Eastern, 0.02%; no homozygotes.

Submissions (2):

Labcorp Genetics (formerly Invitae), Labcorp
Classification: Uncertain significance. Last evaluated: 2026-01-27. Review status: criteria provided, single submitter. Criteria: Invitae Variant Classification Sherloc (09022015). Collection method: clinical testing. Allele origin: germline.
Comment: This sequence change falls in intron 4 of the PDGFB gene. It does not directly change the encoded amino acid sequence of the PDGFB protein. It affects a nucleotide within the consensus splice site. This variant is present in population databases (rs376638696, gnomAD 0.03%). This variant has not been reported in the literature in individuals affected with PDGFB-related conditions. ClinVar contains an entry for this variant (Variation ID: 2415284). Variants that disrupt the consensus splice site are a relatively common cause of aberrant splicing (PMID: 17576681, 9536098). Algorithms developed to predict the effect of sequence changes on RNA splicing suggest that this variant is not likely to affect RNA splicing. In summary, the available evidence is currently insufficient to determine the role of this variant in disease. Therefore, it has been classified as a Variant of Uncertain Significance.

Dr. Peter K. Rogan Lab, Western University
No classification provided (evidence only). Condition: Colon adenocarcinoma. Review status: no classification provided. Collection method: in vitro. Allele origin: not applicable. Functional consequence: retained intron. Not counted in ClinVar's aggregate classification.

Literature cited by the submitters: PubMed 17576681 (cited by Labcorp Genetics (formerly Invitae), Labcorp); PubMed 9536098 (cited by Labcorp Genetics (formerly Invitae), Labcorp).

NM_002608.4(PDGFB):c.456+5G>A

Gene: PDGFB (platelet derived growth factor subunit B; minus strand). Cytogenetic location: 22q13.1.
Variant type: single nucleotide variant.
Coding change: c.456+5G>A on transcript NM_002608.4 (MANE Select); 5 bases into the intron after coding-DNA position 456, G replaced by A.
Molecular consequence: intron variant.
Genome position (GRCh38, 1-based): chr22:39,231,617, C>T on the plus strand (G>A on the coding strand, the complement: PDGFB is on the minus strand). VCF-style: chr22-39231617-C-T. GRCh37 (hg19) VCF-style: chr22-39627622-C-T.
Other names: c.411+5G>A (NM_033016.3).
Identifiers: ClinVar variation 2415284 (VCV002415284.7), dbSNP rs376638696, ClinGen allele CA10240116.